The following is an entry in ClinVar:

NM_002878.4(RAD51D):c.767A>T (p.Asp256Val)

Genes: RAD51D (RAD51 paralog D; minus strand), RAD51L3-RFFL (RAD51L3-RFFL readthrough; minus strand). Cytogenetic location: 17q12.
Variant type: single nucleotide variant.
Coding change: c.767A>T on transcript NM_002878.4 (MANE Select); coding-DNA position 767, A replaced by T.
Protein change: p.Asp256Val; replaces aspartic acid 256 with valine.
Molecular consequence: missense variant. On other transcripts: non-coding transcript variant (3).
Genome position (GRCh38, 1-based): chr17:35,101,337, T>A on the plus strand (A>T on the coding strand, the complement: RAD51D is on the minus strand). VCF-style: chr17-35101337-T-A. GRCh37 (hg19) VCF-style: chr17-33428356-T-A.
Other names: c.827A>T, p.Asp276Val (NM_001142571.2); c.431A>T, p.Asp144Val (NM_133629.3); short protein forms D144V, D256V, D276V.
Identifiers: ClinVar variation 1043726 (VCV001043726.5), dbSNP rs371350110, ClinGen allele CA399086938.
Genomic context (GRCh38, chr17:35,101,337, plus strand): 5'-ATCCGAGTGCTGGGCACAAAGCTCCAGGAGCGTCCGAGGGCAGGTTTGAGCCTCCCGCTG[T>A]CCCTGTCTCGAGTTATGTGGTTGGTCACCTGCAGCAGAAACAGACTTACAGATCCATAAT-3'
Protein context (NP_002869.3, residues 246-266): VVTNHITRDR[Asp256Val]SGRLKPALGR

ClinVar aggregate classification (germline): Uncertain significance (1 of 4 stars; one submission).

Conditions:
Breast-ovarian cancer, familial, susceptibility to, 4. Identifiers: Orphanet 145, MedGen C3280345, MONDO:0013669, OMIM 614291.

Submission:

Labcorp Genetics (formerly Invitae), Labcorp
Classification: Uncertain significance for Breast-ovarian cancer, familial, susceptibility to, 4. Last evaluated: 2021-06-22. Review status: criteria provided, single submitter. Criteria: Invitae Variant Classification Sherloc (09022015). Collection method: clinical testing. Allele origin: germline.
Comment: Algorithms developed to predict the effect of sequence changes on RNA splicing suggest that this variant may create or strengthen a splice site, but this prediction has not been confirmed by published transcriptional studies. In summary, the available evidence is currently insufficient to determine the role of this variant in disease. Therefore, it has been classified as a Variant of Uncertain Significance. Algorithms developed to predict the effect of missense changes on protein structure and function are either unavailable or do not agree on the potential impact of this missense change (SIFT: "Tolerated"; PolyPhen-2: "Possibly Damaging"; Align-GVGD: "Class C0"). This variant has not been reported in the literature in individuals with RAD51D-related conditions. This variant is not present in population databases (ExAC no frequency). This sequence change replaces aspartic acid with valine at codon 256 of the RAD51D protein (p.Asp256Val). The aspartic acid residue is moderately conserved and there is a large physicochemical difference between aspartic acid and valine.